The following is an entry in ClinVar:

ClinVar aggregate classification (germline): Uncertain significance (1 of 4 stars; one submission).

Submission:

Labcorp Genetics (formerly Invitae), Labcorp
Classification: Uncertain significance. Last evaluated: 2024-06-03. Review status: criteria provided, single submitter. Criteria: Invitae Variant Classification Sherloc (09022015). Collection method: clinical testing. Allele origin: germline.
Comment: This sequence change replaces alanine, which is neutral and non-polar, with threonine, which is neutral and polar, at codon 895 of the ACTN4 protein (p.Ala895Thr). This variant is not present in population databases (gnomAD no frequency). This variant has not been reported in the literature in individuals affected with ACTN4-related conditions. ClinVar contains an entry for this variant (Variation ID: 1993668). An algorithm developed to predict the effect of missense changes on protein structure and function (PolyPhen-2) suggests that this variant is likely to be disruptive. In summary, the available evidence is currently insufficient to determine the role of this variant in disease. Therefore, it has been classified as a Variant of Uncertain Significance.

NM_004924.6(ACTN4):c.2683G>A (p.Ala895Thr)

Gene: ACTN4 (actinin alpha 4; plus strand). Cytogenetic location: 19q13.2.
Variant type: single nucleotide variant.
Coding change: c.2683G>A on transcript NM_004924.6 (MANE Select); coding-DNA position 2683, G replaced by A.
Protein change: p.Ala895Thr; replaces alanine 895 with threonine.
Molecular consequence: missense variant.
Genome position (GRCh38, 1-based): chr19:38,729,379, G>A. VCF-style: chr19-38729379-G-A. GRCh37 (hg19) VCF-style: chr19-39220019-G-A.
Other names: c.2668G>A, p.Ala890Thr (NM_001322033.2); c.2683G>A, p.Ala895Thr (NM_001411143.1); short protein forms A890T, A895T.
Identifiers: ClinVar variation 1993668 (VCV001993668.4), dbSNP rs2515331077, ClinGen allele CA405707080.
Genomic context (GRCh38, chr19:38,729,379, plus strand): 5'-CAGGCCGAGTACTGCATCGCCCGCATGGCGCCATACCAGGGCCCTGACGCCGTGCCCGGT[G>A]CCCTCGACTACAAGTCCTTCTCCACGGCCTTGTATGGCGAGAGCGACCTGTGAGGCCCCA-3'
Protein context (NP_004915.2, residues 885-905): PYQGPDAVPG[Ala895Thr]LDYKSFSTAL